The following is an entry in ClinVar:

ClinVar aggregate classification (germline): Uncertain significance (1 of 4 stars; one submission).

Allele frequency attached by ClinVar (database versions not stated): gnomAD exomes below 0.00001.
gnomAD v4.1: 1 of 1,614,186 alleles (0.000062%); highest among the groups gnomAD compares: Non-Finnish European, 0.000085%; no homozygotes.

Submission:

GeneDx
Classification: Uncertain significance. Last evaluated: 2022-03-28. Review status: criteria provided, single submitter. Criteria: GeneDx Variant Classification Process June 2021. Collection method: clinical testing. Allele origin: germline. Affected: yes.
Comment: Not observed at significant frequency in large population cohorts (gnomAD); In silico analysis supports that this missense variant does not alter protein structure/function; Has not been previously published as pathogenic or benign to our knowledge

NM_018489.3(ASH1L):c.3214G>A (p.Val1072Ile)

Gene: ASH1L (ASH1 like histone lysine methyltransferase; minus strand). Cytogenetic location: 1q22.
Variant type: single nucleotide variant.
Coding change: c.3214G>A on transcript NM_018489.3 (MANE Select); coding-DNA position 3214, G replaced by A.
Protein change: p.Val1072Ile; replaces valine 1072 with isoleucine.
Molecular consequence: missense variant.
Genome position (GRCh38, 1-based): chr1:155,479,656, C>T on the plus strand (G>A on the coding strand, the complement: ASH1L is on the minus strand). VCF-style: chr1-155479656-C-T. GRCh37 (hg19) VCF-style: chr1-155449447-C-T.
Other names: c.3214G>A, p.Val1072Ile (NM_001366177.2); short protein forms V1072I.
Identifiers: ClinVar variation 1707775 (VCV001707775.2), dbSNP rs2527168346, ClinGen allele CA342713672.
Genomic context (GRCh38, chr1:155,479,656, plus strand): 5'-ATGGGGGAAGAATCTGTCCTAATGCTGACCCAGCTGCCTGTTGAGCTGTTTGCTCAAGAA[C>T]AGCAAGGCTAGTAGGACTACCAGAAAGAATACCATTTAAGACAGTTTTTGGTTTGCGACC-3'
Protein context (NP_060959.2, residues 1062-1082): ILSGSPTSLA[Val1072Ile]LEQTAQQAAG